The following is an entry in ClinVar:

ClinVar aggregate classification (germline): Conflicting classifications of pathogenicity. Review status: criteria provided, conflicting classifications (1 of 4 stars). 3 submissions from 3 submitters: Uncertain significance (1); Benign (1); Likely benign (1). Last evaluated 2025-10-02.

Conditions:
Ehlers-Danlos syndrome, classic type, 1 (EDSCL1). Also called: EHLERS-DANLOS SYNDROME, GRAVIS TYPE; EHLERS-DANLOS SYNDROME, SEVERE CLASSIC TYPE; Ehlers-Danlos syndrome, type 1; EDS I; Ehlers-Danlos Syndrome, Classic Type, COL5A1-Related. Identifiers: MedGen C0268335, MONDO:0019567, OMIM 130000.
Familial thoracic aortic aneurysm and aortic dissection (TAAD). Also called: Thoracic aortic aneurysms and dissections. Identifiers: Orphanet 91387, MedGen C4707243, MONDO:0019625.

Allele frequency attached by ClinVar (database versions not stated): 1000 Genomes Project 30x 0.00031; 1000 Genomes Project 0.00040.
gnomAD v4.1: 77 of 1,614,106 alleles (0.0048%); highest among the groups gnomAD compares: South Asian, 0.083%; no homozygotes.

Submissions (3):

Labcorp Genetics (formerly Invitae), Labcorp
Classification: Benign for Ehlers-Danlos syndrome, classic type, 1. Last evaluated: 2025-10-02. Review status: criteria provided, single submitter. Criteria: Invitae Variant Classification Sherloc (09022015). Collection method: clinical testing. Allele origin: germline.

GeneDx
Classification: Uncertain significance. Last evaluated: 2020-10-21. Review status: criteria provided, single submitter. Criteria: GeneDx Variant Classification Process June 2021. Collection method: clinical testing. Allele origin: germline. Affected: yes.
Comment: Has not been previously published as pathogenic or benign to our knowledge; In silico analysis, which includes splice predictors and evolutionary conservation, suggests this variant may impact gene splicing. In the absence of RNA/functional studies, the actual effect of this sequence change is unknown.

Ambry Genetics
Classification: Likely benign for Familial thoracic aortic aneurysm and aortic dissection. Last evaluated: 2020-10-08. Review status: criteria provided, single submitter. Criteria: Ambry Variant Classification Scheme 2023. Collection method: clinical testing. Allele origin: germline.

NM_000393.5(COL5A2):c.1491C>A (p.Pro497=)

Gene: COL5A2 (collagen type V alpha 2 chain; minus strand). Cytogenetic location: 2q32.2.
Variant type: single nucleotide variant.
Coding change: c.1491C>A on transcript NM_000393.5 (MANE Select); coding-DNA position 1491, C replaced by A.
Protein change: p.Pro497=; no amino-acid change (proline 497 retained).
Molecular consequence: synonymous variant.
Genome position (GRCh38, 1-based): chr2:189,066,462, G>T on the plus strand (C>A on the coding strand, the complement: COL5A2 is on the minus strand). VCF-style: chr2-189066462-G-T. GRCh37 (hg19) VCF-style: chr2-189931188-G-T.
Identifiers: ClinVar variation 1313599 (VCV001313599.11), dbSNP rs570269920, ClinGen allele CA2022682.